The following is an entry in ClinVar:

NM_007294.4(BRCA1):c.135-12T>A

Gene: BRCA1 (BRCA1 DNA repair associated; minus strand). Cytogenetic location: 17q21.31.
Variant type: single nucleotide variant.
Coding change: c.135-12T>A on transcript NM_007294.4 (MANE Select); 12 bases into the intron before coding-DNA position 135, T replaced by A.
Molecular consequence: intron variant.
Genome position (GRCh38, 1-based): chr17:43,106,545, A>T on the plus strand (T>A on the coding strand, the complement: BRCA1 is on the minus strand). VCF-style: chr17-43106545-A-T. GRCh37 (hg19) VCF-style: chr17-41258562-A-T.
Other names: c.-7-12T>A (NM_001408458.1, NM_001407931.1, NM_001407747.1 and 99 more transcripts); c.-218-11685T>A (NM_001407967.1, NM_001407966.1); c.-169-1589T>A (NM_001407959.1, NM_001407962.1, NM_001408512.1 and 4 more transcripts); c.-54-12T>A (NM_001407885.1, NM_001407886.1, NM_001407898.1 and 58 more transcripts); c.135-12T>A (NM_001407686.1, NM_001408397.1, NM_001407632.1 and 167 more transcripts); c.81-1589T>A (NM_001408451.1); c.135-1589T>A (NM_001408475.1, NM_001407875.1, NM_001407659.1 and 21 more transcripts).
Identifiers: ClinVar variation 867249 (VCV000867249.3), dbSNP rs2054798886, ClinGen allele CA916080933.

Conditions:
Breast-ovarian cancer, familial, susceptibility to, 1 (BROVCA1). Also called: BRCA1 Hereditary Breast and Ovarian Cancer; OVARIAN CANCER, SUSCEPTIBILITY TO. Identifiers: Orphanet 145, MedGen C2676676, MONDO:0011450, OMIM 604370. Disease mechanism: loss of function.

Submission:

Brotman Baty Institute, University of Washington
No classification provided (evidence only). Condition: Breast-ovarian cancer, familial 1. Review status: no classification provided. Collection method: in vitro. Allele origin: not applicable. Functional consequence: functionally_normal.
ClinVar note: "not provided" was previously submitted as the classification for the variant. However, the classification appeared to be based only on an observation of functional data so it was converted to no classification on 2025-07-30.